The following is an entry in ClinVar:

ClinVar aggregate classification (germline): Uncertain significance (1 of 4 stars; one submission).

Allele frequency attached by ClinVar (database versions not stated): 1000 Genomes Project 0.00020; TOPMed below 0.00001; gnomAD exomes below 0.00001 and 0.00003; ExAC 0.00001; gnomAD 0.00002 and 0.00003; 1000 Genomes Project 30x 0.00016.
gnomAD v4.1: 43 of 1,614,046 alleles (0.0027%); highest among the groups gnomAD compares: Admixed American, 0.0033%; no homozygotes.

Submission:

Labcorp Genetics (formerly Invitae), Labcorp
Classification: Uncertain significance. Last evaluated: 2021-08-14. Review status: criteria provided, single submitter. Criteria: Invitae Variant Classification Sherloc (09022015). Collection method: clinical testing. Allele origin: germline.
Comment: This sequence change replaces arginine with cysteine at codon 975 of the LTBP2 protein (p.Arg975Cys). The arginine residue is highly conserved and there is a large physicochemical difference between arginine and cysteine. This variant is present in population databases (rs537358275, ExAC 0.009%). This variant has not been reported in the literature in individuals affected with LTBP2-related conditions. Algorithms developed to predict the effect of missense changes on protein structure and function (SIFT, PolyPhen-2, Align-GVGD) all suggest that this variant is likely to be disruptive. In summary, the available evidence is currently insufficient to determine the role of this variant in disease. Therefore, it has been classified as a Variant of Uncertain Significance.

NM_000428.3(LTBP2):c.2923C>T (p.Arg975Cys)

Gene: LTBP2 (latent transforming growth factor beta binding protein 2; minus strand). Cytogenetic location: 14q24.3.
Variant type: single nucleotide variant.
Coding change: c.2923C>T on transcript NM_000428.3 (MANE Select); coding-DNA position 2923, C replaced by T.
Protein change: p.Arg975Cys; replaces arginine 975 with cysteine.
Molecular consequence: missense variant.
Genome position (GRCh38, 1-based): chr14:74,511,350, G>A on the plus strand (C>T on the coding strand, the complement: LTBP2 is on the minus strand). VCF-style: chr14-74511350-G-A. GRCh37 (hg19) VCF-style: chr14-74978053-G-A.
Other names: short protein forms R975C.
Identifiers: ClinVar variation 1432155 (VCV001432155.5), dbSNP rs537358275, ClinGen allele CA7269344.